The following is an entry in ClinVar:

ClinVar aggregate classification (germline): Likely pathogenic (1 of 4 stars; one submission).

Submission:

Labcorp Genetics (formerly Invitae), Labcorp
Classification: Likely pathogenic. Last evaluated: 2020-10-26. Review status: criteria provided, single submitter. Criteria: Invitae Variant Classification Sherloc (09022015). Collection method: clinical testing. Allele origin: germline.
Comment: This variant results in the deletion of part of exon 13 (c.1444_1482+234del) of the PHEX gene. It is expected to disrupt RNA splicing. Variants that disrupt the donor or acceptor splice site typically lead to a loss of protein function (PMID: 16199547), and loss-of-function variants in PHEX are known to be pathogenic (PMID: 9097956, 9106524, 19219621). This variant has been observed in individual(s) with X-linked hypophosphatemia (Invitae). Experimental studies and prediction algorithms are not available or were not evaluated, and the effect of this variant on mRNA splicing is currently unknown. In summary, the currently available evidence indicates that the variant is pathogenic, but additional data are needed to prove that conclusively. Therefore, this variant has been classified as Likely Pathogenic.

Literature cited by the submitters: PubMed 16199547; PubMed 9097956; PubMed 9106524; PubMed 19219621.

NC_000023.10:g.(?_22186468)_22186740del

Gene: PHEX (phosphate regulating endopeptidase X-linked; plus strand).
Variant type: Deletion.
Identifiers: ClinVar variation 1067490 (VCV001067490.2).